The following is an entry in ClinVar:

NM_001365276.2(TNXB):c.6261G>A (p.Met2087Ile)

Gene: TNXB (tenascin XB; minus strand). Cytogenetic location: 6p21.33.
Variant type: single nucleotide variant.
Coding change: c.6261G>A on transcript NM_001365276.2 (MANE Select); coding-DNA position 6261, G replaced by A.
Protein change: p.Met2087Ile; replaces methionine 2087 with isoleucine.
Molecular consequence: missense variant.
Genome position (GRCh38, 1-based): chr6:32,067,944, C>T on the plus strand (G>A on the coding strand, the complement: TNXB is on the minus strand). VCF-style: chr6-32067944-C-T. GRCh37 (hg19) VCF-style: chr6-32035721-C-T.
Other names: c.7002G>A, p.Met2334Ile (NM_001428335.1); c.6261G>A, p.Met2087Ile (NM_019105.8); short protein forms M2334I, M2087I.
Identifiers: ClinVar variation 4188739 (VCV004188739.1).
Genomic context (GRCh38, chr6:32,067,944, plus strand): 5'-GGAGGATCCTGTCACTGTTAGCTCCCCCAGGAGCGGCTCCTCAGCGGGCTCCGGGGCCTC[C>T]ATGCTGGGTTCTGTGGGGCTGGGGGTCTCTTCCTCTGCAGCTGAGAAGGAGGAAGAGAGA-3'
Protein context (NP_001352205.1, residues 2077-2097): EETPSPTEPS[Met2087Ile]EAPEPAEEPL

ClinVar aggregate classification (germline): Uncertain significance (1 of 4 stars; one submission).

Conditions:
Cardiovascular phenotype. Identifiers: MedGen CN230736.

gnomAD v4.1: 1 of 1,612,412 alleles (0.000062%); highest among the groups gnomAD compares: Non-Finnish European, 0.000085%; no homozygotes.

Submission:

Ambry Genetics
Classification: Uncertain significance for Cardiovascular phenotype. Last evaluated: 2025-09-07. Review status: criteria provided, single submitter. Criteria: Ambry Variant Classification Scheme 2023. Collection method: clinical testing. Allele origin: germline.
Comment: The p.M2087I variant (also known as c.6261G>A), located in coding exon 17 of the TNXB gene, results from a G to A substitution at nucleotide position 6261. The methionine at codon 2087 is replaced by isoleucine, an amino acid with highly similar properties. This amino acid position is conserved. In addition, this alteration is predicted to be tolerated by in silico analysis. Based on the available evidence, the clinical significance of this variant remains unclear.